The following is an entry in ClinVar:

ClinVar aggregate classification (germline): Likely benign. Review status: criteria provided, multiple submitters, no conflicts (2 of 4 stars). 2 submissions from 2 submitters: Likely benign (2). Last evaluated 2025-08-03.

Conditions:
EP300-related disorder. Also called: EP300-related disorders; EP300-related condition.

Allele frequency attached by ClinVar (database versions not stated): ExAC 0.00001.
gnomAD v4.1: 5 of 1,614,098 alleles (0.00031%); highest among the groups gnomAD compares: Admixed American, 0.0083%; no homozygotes.

Submissions (2):

PreventionGenetics, part of Exact Sciences
Classification: Likely benign for EP300-related condition. Last evaluated: 2025-08-03. Review status: criteria provided, single submitter. Criteria: ACMG Guidelines, 2015. Collection method: clinical testing. Allele origin: germline.
Comment: This variant is classified as likely benign based on ACMG/AMP sequence variant interpretation guidelines (Richards et al. 2015 PMID: 25741868, with internal and published modifications).

GeneDx
Classification: Likely benign. Last evaluated: 2021-05-18. Review status: criteria provided, single submitter. Criteria: GeneDx Variant Classification Process June 2021. Collection method: clinical testing. Allele origin: germline. Affected: yes.
Comment: See Variant Classification Assertion Criteria.

NM_001429.4(EP300):c.6651T>C (p.Val2217=)

Gene: EP300 (EP300 lysine acetyltransferase; plus strand). Cytogenetic location: 22q13.2.
Variant type: single nucleotide variant.
Coding change: c.6651T>C on transcript NM_001429.4 (MANE Select); coding-DNA position 6651, T replaced by C.
Protein change: p.Val2217=; no amino-acid change (valine 2217 retained).
Molecular consequence: synonymous variant.
Genome position (GRCh38, 1-based): chr22:41,178,362, T>C. VCF-style: chr22-41178362-T-C. GRCh37 (hg19) VCF-style: chr22-41574366-T-C.
Other names: c.6573T>C, p.Val2191= (NM_001362843.2).
Identifiers: ClinVar variation 2430902 (VCV002430902.2), dbSNP rs776990862, ClinGen allele CA10253911.